The following is an entry in ClinVar:

NM_006642.5(SDCCAG8):c.925G>A (p.Val309Ile)

Gene: SDCCAG8 (SHH signaling and ciliogenesis regulator SDCCAG8; plus strand). Cytogenetic location: 1q43.
Variant type: single nucleotide variant.
Coding change: c.925G>A on transcript NM_006642.5 (MANE Select); coding-DNA position 925, G replaced by A.
Protein change: p.Val309Ile; replaces valine 309 with isoleucine.
Molecular consequence: missense variant.
Genome position (GRCh38, 1-based): chr1:243,308,173, G>A. VCF-style: chr1-243308173-G-A. GRCh37 (hg19) VCF-style: chr1-243471475-G-A.
Other names: c.22G>A, p.Val8Ile (NM_001350246.2, NM_001350247.2, NM_001350251.2); c.1021G>A, p.Val341Ile (NM_001350248.2); c.631G>A, p.Val211Ile (NM_001350249.2); short protein forms V309I, V341I, V211I, V8I.
Identifiers: ClinVar variation 198845 (VCV000198845.18), dbSNP rs149359674, ClinGen allele CA247688.

ClinVar aggregate classification (germline): Conflicting classifications of pathogenicity. Review status: criteria provided, conflicting classifications (1 of 4 stars). 4 submissions from 4 submitters: Uncertain significance (1); Likely benign (2). 1 of the submissions does not count toward it. Last evaluated 2026-02-01.

Conditions:
SDCCAG8-related disorder. Also called: SDCCAG8-Related Disorders; SDCCAG8-related condition.
Bardet-Biedl syndrome 16 (BBS16). Identifiers: Orphanet 110, MedGen C3889474, MONDO:0014444, OMIM 615993.
Senior-Loken syndrome 7 (SLSN7). Identifiers: Orphanet 3156, MedGen C3150877, MONDO:0013326, OMIM 613615.

Allele frequency attached by ClinVar (database versions not stated): gnomAD 0.00072 and 0.00067; 1000 Genomes Project 30x 0.00078; 1000 Genomes Project 0.00080; ESP Exome Variant Server 0.00069; TOPMed 0.00091.
gnomAD v4.1: 202 of 1,614,116 alleles (0.013%); highest among the groups gnomAD compares: African/African-American, 0.25%; no homozygotes.

Submissions (4):

Labcorp Genetics (formerly Invitae), Labcorp
Classification: Likely benign for Bardet-Biedl syndrome 16; Senior-Loken syndrome 7. Last evaluated: 2026-02-01. Review status: criteria provided, single submitter. Criteria: Invitae Variant Classification Sherloc (09022015). Collection method: clinical testing. Allele origin: germline.

Blueprint Genetics
Classification: Likely benign. Last evaluated: 2024-06-26. Review status: criteria provided, single submitter. Criteria: ACMG Guidelines, 2015. Collection method: clinical testing. Allele origin: germline.

Eurofins Ntd Llc (ga)
Classification: Uncertain significance. Last evaluated: 2014-12-14. Review status: criteria provided, single submitter. Criteria: EGL Classification Definitions 2015. Collection method: clinical testing. Allele origin: germline. Observed: 1 variant allele, 1 heterozygote.

PreventionGenetics, part of Exact Sciences
Classification: Likely benign for SDCCAG8-related condition. Last evaluated: 2020-02-28. Review status: no assertion criteria provided. Collection method: clinical testing. Allele origin: germline. Not counted in ClinVar's aggregate classification.
Comment: This variant is classified as likely benign based on ACMG/AMP sequence variant interpretation guidelines (Richards et al. 2015 PMID: 25741868, with internal and published modifications).